The following is an entry in ClinVar:

NM_004667.6(HERC2):c.6758G>A (p.Arg2253His)

Gene: HERC2 (HECT and RLD domain containing E3 ubiquitin protein ligase 2; minus strand). Cytogenetic location: 15q13.1.
Variant type: single nucleotide variant.
Coding change: c.6758G>A on transcript NM_004667.6 (MANE Select); coding-DNA position 6758, G replaced by A.
Protein change: p.Arg2253His; replaces arginine 2253 with histidine.
Molecular consequence: missense variant.
Genome position (GRCh38, 1-based): chr15:28,213,770, C>T on the plus strand (G>A on the coding strand, the complement: HERC2 is on the minus strand). VCF-style: chr15-28213770-C-T. GRCh37 (hg19) VCF-style: chr15-28458916-C-T.
Other names: short protein forms R2253H.
Identifiers: ClinVar variation 4685165 (VCV004685165.1).

ClinVar aggregate classification (germline): Uncertain significance (1 of 4 stars; one submission).

gnomAD v4.1: 6 of 1,613,982 alleles (0.00037%); highest among the groups gnomAD compares: Middle Eastern, 0.017%; no homozygotes.

Submission:

GeneDx
Classification: Uncertain significance. Last evaluated: 2025-06-30. Review status: criteria provided, single submitter. Criteria: GeneDx Variant Classification Process June 2021. Collection method: clinical testing. Allele origin: germline. Affected: yes.
Comment: Not observed at significant frequency in large population cohorts (gnomAD); In silico analysis suggests that this missense variant does not alter protein structure/function; Has not been previously published as pathogenic or benign to our knowledge